The following is an entry in ClinVar:

NM_032228.6(FAR1):c.1471A>G (p.Asn491Asp)

Gene: FAR1 (fatty acyl-CoA reductase 1; plus strand). Cytogenetic location: 11p15.3.
Variant type: single nucleotide variant.
Coding change: c.1471A>G on transcript NM_032228.6 (MANE Select); coding-DNA position 1471, A replaced by G.
Protein change: p.Asn491Asp; replaces asparagine 491 with aspartic acid.
Molecular consequence: missense variant.
Genome position (GRCh38, 1-based): chr11:13,728,697, A>G. VCF-style: chr11-13728697-A-G. GRCh37 (hg19) VCF-style: chr11-13750244-A-G.
Other names: short protein forms N491D.
Identifiers: ClinVar variation 1373954 (VCV001373954.8), dbSNP rs2134204249, ClinGen allele CA379859446.
Genomic context (GRCh38, chr11:13,728,697, plus strand): 5'-AATACTATCCTTGTGATCCTCATCTGGCGCATTTTTATTGCAAGATCACAAATGGCAAGA[A>G]ATATCTGGTACTTTGTGGTTAGTCTGTGTTACAAGTTTTTGTCATACTTCCGAGCATCCA-3'
Protein context (NP_115604.1, residues 481-501): IFIARSQMAR[Asn491Asp]IWYFVVSLCY

ClinVar aggregate classification (germline): Uncertain significance (1 of 4 stars; one submission).

Submission:

Labcorp Genetics (formerly Invitae), Labcorp
Classification: Uncertain significance. Last evaluated: 2021-02-18. Review status: criteria provided, single submitter. Criteria: Invitae Variant Classification Sherloc (09022015). Collection method: clinical testing. Allele origin: germline.
Comment: In summary, the available evidence is currently insufficient to determine the role of this variant in disease. Therefore, it has been classified as a Variant of Uncertain Significance. Algorithms developed to predict the effect of missense changes on protein structure and function (SIFT, PolyPhen-2, Align-GVGD) all suggest that this variant is likely to be tolerated, but these predictions have not been confirmed by published functional studies and their clinical significance is uncertain. This variant has not been reported in the literature in individuals with FAR1-related conditions. This variant is not present in population databases (ExAC no frequency). This sequence change replaces asparagine with aspartic acid at codon 491 of the FAR1 protein (p.Asn491Asp). The asparagine residue is highly conserved and there is a small physicochemical difference between asparagine and aspartic acid.